The following is an entry in ClinVar:

ClinVar aggregate classification (germline): Uncertain significance (1 of 4 stars; one submission).

Conditions:
Neurofibromatosis, type 1 (NF1). Also called: Peripheral type neurofibromatosis; VON RECKLINGHAUSEN DISEASE; Neurofibromatosis, type I; NEUROFIBROMATOSIS, TYPE I, SOMATIC. Identifiers: Orphanet 636, MedGen C0027831, MONDO:0018975, OMIM 162200. Disease mechanism: loss of function.

Submission:

Labcorp Genetics (formerly Invitae), Labcorp
Classification: Uncertain significance for Neurofibromatosis, type 1. Last evaluated: 2023-12-08. Review status: criteria provided, single submitter. Criteria: Invitae Variant Classification Sherloc (09022015). Collection method: clinical testing. Allele origin: germline.
Comment: This sequence change replaces asparagine, which is neutral and polar, with threonine, which is neutral and polar, at codon 2658 of the NF1 protein (p.Asn2658Thr). This variant is not present in population databases (gnomAD no frequency). This variant has not been reported in the literature in individuals affected with NF1-related conditions. Advanced modeling of protein sequence and biophysical properties (such as structural, functional, and spatial information, amino acid conservation, physicochemical variation, residue mobility, and thermodynamic stability) performed at Invitae indicates that this missense variant is expected to disrupt NF1 protein function with a positive predictive value of 95%. In summary, the available evidence is currently insufficient to determine the role of this variant in disease. Therefore, it has been classified as a Variant of Uncertain Significance.

NM_001042492.3(NF1):c.8036A>C (p.Asn2679Thr)

Gene: NF1 (neurofibromin 1; plus strand). Cytogenetic location: 17q11.2.
Variant type: single nucleotide variant.
Coding change: c.8036A>C on transcript NM_001042492.3 (MANE Select); coding-DNA position 8036, A replaced by C.
Protein change: p.Asn2679Thr; replaces asparagine 2679 with threonine.
Molecular consequence: missense variant.
Genome position (GRCh38, 1-based): chr17:31,358,545, A>C. VCF-style: chr17-31358545-A-C. GRCh37 (hg19) VCF-style: chr17-29685563-A-C.
Other names: c.7973A>C, p.Asn2658Thr (NM_000267.4); short protein forms N2679T, N2658T.
Identifiers: ClinVar variation 2701383 (VCV002701383.3), dbSNP rs2151584955, ClinGen allele CA399203730.